The following is an entry in ClinVar:

NM_194277.3(FRMD7):c.1364A>C (p.Asn455Thr)

Gene: FRMD7 (FERM domain containing 7; minus strand). Cytogenetic location: Xq26.2.
Variant type: single nucleotide variant.
Coding change: c.1364A>C on transcript NM_194277.3 (MANE Select); coding-DNA position 1364, A replaced by C.
Protein change: p.Asn455Thr; replaces asparagine 455 with threonine.
Molecular consequence: missense variant.
Genome position (GRCh38, 1-based): chrX:132,078,653, T>G on the plus strand (A>C on the coding strand, the complement: FRMD7 is on the minus strand). VCF-style: chrX-132078653-T-G. GRCh37 (hg19) VCF-style: chrX-131212681-T-G.
Other names: c.1319A>C, p.Asn440Thr (NM_001306193.2); short protein forms N440T, N455T.
Identifiers: ClinVar variation 3671306 (VCV003671306.2).
Genomic context (GRCh38, chrX:132,078,653, plus strand): 5'-TAAGTTAGCTGCTTTGCTGGACGCACTTTGCTTGTGAGGCCAGAATATATGCTCATGTGA[T>G]TACCAGAAAACTTACAGCTTGTTTGGAAGGAGCTTAGAGAACTCCTCTCTGAAAAAATGT-3'
Protein context (NP_919253.1, residues 445-465): SFQTSCKFSG[Asn455Thr]HMSIYSGLTS

ClinVar aggregate classification (germline): Uncertain significance (1 of 4 stars; one submission).

Submission:

Labcorp Genetics (formerly Invitae), Labcorp
Classification: Uncertain significance. Last evaluated: 2024-10-29. Review status: criteria provided, single submitter. Criteria: Invitae Variant Classification Sherloc (09022015). Collection method: clinical testing. Allele origin: germline.
Comment: This sequence change replaces asparagine, which is neutral and polar, with threonine, which is neutral and polar, at codon 455 of the FRMD7 protein (p.Asn455Thr). This variant is not present in population databases (gnomAD no frequency). This variant has not been reported in the literature in individuals affected with FRMD7-related conditions. An algorithm developed to predict the effect of missense changes on protein structure and function (PolyPhen-2) suggests that this variant is likely to be tolerated. In summary, the available evidence is currently insufficient to determine the role of this variant in disease. Therefore, it has been classified as a Variant of Uncertain Significance.